The following is an entry in ClinVar:

NM_001165963.4(SCN1A):c.2395G>A (p.Val799Met)

Gene: SCN1A (sodium voltage-gated channel alpha subunit 1; minus strand). Cytogenetic location: 2q24.3.
Variant type: single nucleotide variant.
Coding change: c.2395G>A on transcript NM_001165963.4 (MANE Select); coding-DNA position 2395, G replaced by A.
Protein change: p.Val799Met; replaces valine 799 with methionine.
Molecular consequence: missense variant. On other transcripts: 5 prime UTR variant (1), non-coding transcript variant (1).
Genome position (GRCh38, 1-based): chr2:166,041,251, C>T on the plus strand (G>A on the coding strand, the complement: SCN1A is on the minus strand). VCF-style: chr2-166041251-C-T. GRCh37 (hg19) VCF-style: chr2-166897761-C-T.
Other names: c.2311G>A, p.Val771Met (NM_001165964.3, NM_001353957.2, NM_001353958.2); c.2395G>A, p.Val799Met (NM_001202435.3, NM_001353948.2); c.2362G>A, p.Val788Met (NM_001353949.2, NM_001353950.2, NM_001353951.2 and 2 more transcripts); c.2359G>A, p.Val787Met (NM_001353954.2, NM_001353955.2); c.2308G>A, p.Val770Met (NM_001353960.2); c.-64G>A (NM_001353961.2); short protein forms V770M, V771M, V787M, V788M, V799M.
Identifiers: ClinVar variation 1809874 (VCV001809874.1), dbSNP rs2468129882, ClinGen allele CA349063770.

ClinVar aggregate classification (germline): Uncertain significance (1 of 4 stars; one submission).

Submission:

GeneDx
Classification: Uncertain significance. Last evaluated: 2022-06-30. Review status: criteria provided, single submitter. Criteria: GeneDx Variant Classification Process June 2021. Collection method: clinical testing. Allele origin: germline. Affected: yes.
Comment: Not observed at significant frequency in large population cohorts (gnomAD); Missense variants in this gene are often considered pathogenic (HGMD); In silico analysis supports that this missense variant does not alter protein structure/function; This substitution is predicted to be within the extracellular loop between the S1 and S2 transmembrane segments of the second homologous domain.; Has not been previously published as pathogenic or benign to our knowledge